The following is an entry in ClinVar:

ClinVar aggregate classification (germline): Uncertain significance (1 of 4 stars; one submission).

Conditions:
Emery-Dreifuss muscular dystrophy 4, autosomal dominant (EDMD4). Also called: EMERY-DREIFUSS MUSCULAR DYSTROPHY 4 WITH VARIABLE FEATURES. Identifiers: Orphanet 261, MedGen C2751807, MONDO:0013071, OMIM 612998.
Autosomal recessive ataxia, Beauce type. Also called: Spinocerebellar ataxia, autosomal recessive 8; ATAXIA, RECESSIVE, OF BEAUCE; SYNE1-Related Autosomal Recessive Cerebellar Ataxia; SYNE1 Deficiency. Identifiers: Orphanet 88644, MedGen C1853116, MONDO:0012549, OMIM 610743.

gnomAD v4.1: 1 of 1,614,042 alleles (0.000062%); highest among the groups gnomAD compares: Non-Finnish European, 0.000085%; no homozygotes.

Submission:

Labcorp Genetics (formerly Invitae), Labcorp
Classification: Uncertain significance for Emery-Dreifuss muscular dystrophy 4, autosomal dominant; Autosomal recessive ataxia, Beauce type. Last evaluated: 2024-06-11. Review status: criteria provided, single submitter. Criteria: Invitae Variant Classification Sherloc (09022015). Collection method: clinical testing. Allele origin: germline.
Comment: This sequence change replaces isoleucine, which is neutral and non-polar, with methionine, which is neutral and non-polar, at codon 7071 of the SYNE1 protein (p.Ile7071Met). This variant is not present in population databases (gnomAD no frequency). This variant has not been reported in the literature in individuals affected with SYNE1-related conditions. ClinVar contains an entry for this variant (Variation ID: 841078). Algorithms developed to predict the effect of missense changes on protein structure and function output the following: SIFT: "Not Available"; PolyPhen-2: "Benign"; Align-GVGD: "Not Available". The methionine amino acid residue is found in multiple mammalian species, which suggests that this missense change does not adversely affect protein function. In summary, the available evidence is currently insufficient to determine the role of this variant in disease. Therefore, it has been classified as a Variant of Uncertain Significance.

NM_182961.4(SYNE1):c.21426A>G (p.Ile7142Met)

Gene: SYNE1 (spectrin repeat containing nuclear envelope protein 1; minus strand). Cytogenetic location: 6q25.2.
Variant type: single nucleotide variant.
Coding change: c.21426A>G on transcript NM_182961.4 (MANE Select); coding-DNA position 21426, A replaced by G.
Protein change: p.Ile7142Met; replaces isoleucine 7142 with methionine.
Molecular consequence: missense variant.
Genome position (GRCh38, 1-based): chr6:152,224,590, T>C on the plus strand (A>G on the coding strand, the complement: SYNE1 is on the minus strand). VCF-style: chr6-152224590-T-C. GRCh37 (hg19) VCF-style: chr6-152545725-T-C.
Other names: c.21213A>G, p.Ile7071Met (NM_033071.5); short protein forms I7071M, I7142M.
Identifiers: ClinVar variation 841078 (VCV000841078.3), dbSNP rs775691059, ClinGen allele CA366107673.
Genomic context (GRCh38, chr6:152,224,590, plus strand): 5'-GGAGCCAGTCAGCAGACGGAATCGGGAAAGAGAGTATCTGGCCTCCATGAGGTAACTGTT[T>C]ATCTTGTCAAAGGCCACTTTGTGACTACTCCATTGGTCAAGCACTGATTTCAGCAGTATC-3'
Protein context (NP_892006.3, residues 7132-7152): WSSHKVAFDK[Ile7142Met]NSYLMEARYS